The following is an entry in ClinVar:

ClinVar aggregate classification (germline): Pathogenic. Review status: criteria provided, multiple submitters, no conflicts (2 of 4 stars). 2 submissions from 2 submitters: Pathogenic (2). Last evaluated 2024-10-09.

Conditions:
F7-related disorder. Also called: F7-related condition.

Submissions (2):

PreventionGenetics, part of Exact Sciences
Classification: Pathogenic for F7-related condition. Last evaluated: 2024-10-09. Review status: criteria provided, single submitter. Criteria: ACMG Guidelines, 2015. Collection method: clinical testing. Allele origin: germline.
Comment: The F7 c.647delG variant is predicted to result in a frameshift and premature protein termination (p.Gly216Alafs*17). This variant has been reported in individuals with Factor VII deficiency (Reported as delG in 8968-8973, Millar et al. 2000. PubMed ID: 11129332; Table ST3.4, Stefanucci et al. 2023. PubMed ID: 37647632). This variant is reported in 0.00088% of alleles in individuals of European (Non-Finnish) descent in gnomAD. Frameshift variants in F7 are expected to be pathogenic. This variant is interpreted as pathogenic.

Mayo Clinic Laboratories, Mayo Clinic
Classification: Pathogenic. Last evaluated: 2022-02-02. Review status: criteria provided, single submitter. Criteria: ACMG Guidelines, 2015. Collection method: clinical testing. Allele origin: germline. Observed: 3 variant alleles.
Comment: PM2, PM3, PVS1

NM_019616.4(F7):c.581del (p.Gly194fs)

Gene: F7 (coagulation factor VII; plus strand). Cytogenetic location: 13q34.
Variant type: Deletion.
Coding change: c.581del on transcript NM_019616.4 (MANE Select); coding-DNA position 581, one base deleted (G; older notation c.581delG).
Protein change: p.Gly194fs; shifts the reading frame from glycine 194.
Molecular consequence: frameshift variant. On other transcripts: non-coding transcript variant (1).
Genome position (GRCh38, 1-based): chr13:113,116,841, G deleted; the last of 6 consecutive G bases (chr13:113,116,836-113,116,841); deleting any one gives the same sequence. VCF-style (leftmost placement, unchanged base first): chr13-113116835-TG-T. GRCh37 (hg19) VCF-style: chr13-113771149-TG-T.
Other names: p.Gly216Alafs*17; c.647delG (NM_000131.4); c.647delG, p.Gly216Alafs (NM_000131.5); c.395del, p.Gly132fs (NM_001267554.2); short protein forms G132fs, G194fs, G216fs.
Identifiers: ClinVar variation 1705959 (VCV001705959.6), dbSNP rs748874982, ClinGen allele CA485020814.